The following is an entry in ClinVar:

ClinVar aggregate classification (germline): Pathogenic (1 of 4 stars; one submission).

Conditions:
Hereditary nonpolyposis colorectal neoplasms. Identifiers: MedGen C0009405, MeSH D003123.

Submission:

Labcorp Genetics (formerly Invitae), Labcorp
Classification: Pathogenic for Hereditary nonpolyposis colorectal neoplasms. Last evaluated: 2017-05-13. Review status: criteria provided, single submitter. Criteria: Invitae Variant Classification Sherloc (09022015). Collection method: clinical testing. Allele origin: germline.
Comment: This sequence change deletes 1 nucleotide from exon 4 of the MSH6 mRNA (c.896delA), causing a frameshift at codon 299. This creates a premature translational stop signal (p.Lys299Serfs*6) and is expected to result in an absent or disrupted protein product. For these reasons, this variant has been classified as Pathogenic. While this particular variant has not been reported in the literature, loss-of-function variants in MSH6 are known to be pathogenic (PMID: 24362816, 18269114).

Literature cited by the submitters: PubMed 24362816; PubMed 18269114.

NM_000179.3(MSH6):c.896del (p.Lys299fs)

Gene: MSH6 (mutS homolog 6; plus strand). Cytogenetic location: 2p16.3.
Variant type: Deletion.
Coding change: c.896del on transcript NM_000179.3 (MANE Select); coding-DNA position 896, one base deleted (A; older notation c.896delA).
Protein change: p.Lys299fs; shifts the reading frame from lysine 299.
Molecular consequence: frameshift variant. On other transcripts: 5 prime UTR variant (2).
Genome position (GRCh38, 1-based): chr2:47,798,879, A deleted; the last of 3 consecutive A bases (chr2:47,798,877-47,798,879); deleting any one gives the same sequence. VCF-style (leftmost placement, unchanged base first): chr2-47798876-GA-G. GRCh37 (hg19) VCF-style: chr2-48026015-GA-G.
Other names: c.896delA (NM_000179.2); c.506del, p.Lys169fs (NM_001281492.2); c.-11del (NM_001281493.2, NM_001281494.2); short protein forms K169fs, K299fs.
Identifiers: ClinVar variation 410523 (VCV000410523.10), dbSNP rs1060502941, ClinGen allele CA16610870.